The following is an entry in ClinVar:

ClinVar aggregate classification (germline): Pathogenic (1 of 4 stars; one submission).

Conditions:
Polycystic kidney disease 4 (PKD4). Also called: POLYCYSTIC KIDNEY AND HEPATIC DISEASE 1; POLYCYSTIC KIDNEY DISEASE, INFANTILE, TYPE I; POLYCYSTIC KIDNEY DISEASE 4 WITH OR WITHOUT POLYCYSTIC LIVER DISEASE; PKD3; Autosomal Recessive Polycystic Kidney Disease – PKHD1. Identifiers: MedGen C4540575, MONDO:0033004, OMIM 263200.

Submission:

Myriad Genetics, Inc.
Classification: Pathogenic for Polycystic kidney disease 4. Last evaluated: 2024-11-27. Review status: criteria provided, single submitter. Criteria: Myriad Autosomal Dominant, Autosomal Recessive and X-Linked Classification Criteria (2023). Collection method: clinical testing. Allele origin: unknown.
Comment: NM_138694.3(PKHD1):c.9601dupA(R3201Kfs*13) is expected to be pathogenic in the context of autosomal recessive polycystic kidney disease, PKHD1-related. This variant is predicted to lead to an abnormal or absent protein product due to the creation of a premature termination codon in PKHD1, a gene where loss-of-function variants are known to be pathogenic. Please note: this variant was assessed in the context of healthy population screening.

NM_138694.4(PKHD1):c.9601dup (p.Arg3201fs)

Gene: PKHD1 (PKHD1 ciliary IPT domain containing fibrocystin/polyductin; minus strand). Cytogenetic location: 6p12.3.
Variant type: Duplication.
Coding change: c.9601dup on transcript NM_138694.4 (MANE Select); coding-DNA position 9601, one base duplicated (A; older notation c.9601dupA).
Protein change: p.Arg3201fs; shifts the reading frame from arginine 3201.
Molecular consequence: frameshift variant.
Genome position (GRCh38, 1-based): chr6:51,748,015, T duplicated on the plus strand (A on the coding strand, the reverse complement: PKHD1 is on the minus strand). VCF-style (leftmost placement, unchanged base first): chr6-51748014-C-CT. GRCh37 (hg19) VCF-style: chr6-51612812-C-CT.
Other names: c.9601dup, p.Arg3201fs (NM_170724.3); short protein forms R3201fs.
Identifiers: ClinVar variation 5013818 (VCV005013818.1).
Genomic context (GRCh38, chr6:51,748,014, plus strand): 5'-GGCTTCACTTTGTCCTGAATGCAGTCAAAAGAAGAGCTGGTGGCCACAATGACTGAATTC[C>CT]TAAGCACAATCTGCACTTTTTTGACGGAATTTTGTGGAGCAGAAAATACATACACTACTG-3'